The following is an entry in ClinVar:

ClinVar aggregate classification (germline): Likely benign (1 of 4 stars; one submission).

Conditions:
HTT-related disorder. Also called: HTT-related condition.

Submission:

PreventionGenetics, part of Exact Sciences
Classification: Likely benign for HTT-related condition. Last evaluated: 2021-04-11. Review status: criteria provided, single submitter. Criteria: ACMG Guidelines, 2015. Collection method: clinical testing. Allele origin: germline.
Comment: This variant is classified as likely benign based on ACMG/AMP sequence variant interpretation guidelines (Richards et al. 2015 PMID: 25741868, with internal and published modifications).

NM_001388492.1(HTT):c.7803C>T (p.Ile2601=)

Gene: HTT (huntingtin; plus strand). Cytogenetic location: 4p16.3.
Variant type: single nucleotide variant.
Coding change: c.7803C>T on transcript NM_001388492.1 (MANE Select); coding-DNA position 7803, C replaced by T.
Protein change: p.Ile2601=; no amino-acid change (isoleucine 2601 retained).
Molecular consequence: synonymous variant.
Genome position (GRCh38, 1-based): chr4:3,225,698, C>T. VCF-style: chr4-3225698-C-T. GRCh37 (hg19) VCF-style: chr4-3227425-C-T.
Other names: c.7809C>T, p.Ile2603= (NM_002111.8).
Identifiers: ClinVar variation 3054402 (VCV003054402.1), dbSNP rs377408760, ClinGen allele CA438135781.
Genomic context (GRCh38, chr4:3,225,698, plus strand): 5'-ACTCAGGGTGCTGGTGTTCACAGGTGCCCTCATCAGCCACGAGAAGCTGCTGCTACAGAT[C>T]AACCCCGAGCGGGAGCTGGGGAGCATGAGCTACAAACTCGGCCAGGTCAGTCTCGCGCCC-3'
Protein context (NP_001375421.1, residues 2591-2611): LISHEKLLLQ[Ile2601=]NPERELGSMS